The following is an entry in ClinVar:

ClinVar aggregate classification (germline): Likely pathogenic (1 of 4 stars; one submission).

Conditions:
Neurofibromatosis, type 1 (NF1). Also called: NEUROFIBROMATOSIS, TYPE I, SOMATIC; Neurofibromatosis, type I; VON RECKLINGHAUSEN DISEASE; Peripheral type neurofibromatosis. Identifiers: Orphanet 636, MedGen C0027831, MONDO:0018975, OMIM 162200. Disease mechanism: loss of function.

Submission:

Labcorp Genetics (formerly Invitae), Labcorp
Classification: Likely pathogenic for Neurofibromatosis, type 1. Last evaluated: 2022-09-06. Review status: criteria provided, single submitter. Criteria: Invitae Variant Classification Sherloc (09022015). Collection method: clinical testing. Allele origin: germline.
Comment: This variant results in a copy number gain of the genomic region encompassing exon(s) 28-29 of the NF1 gene. While the exact position of this variant cannot be determined from the data, sub-genic copy number gains are generally in tandem (PMID: 25640679). This variant is predicted to be out-of-frame, and may result in an absent or disrupted protein product. Loss-of-function variants in NF1 are known to be pathogenic (PMID: 10712197, 23913538). In summary, the currently available evidence indicates that the variant is pathogenic, but additional data are needed to prove that conclusively. Therefore, this variant has been classified as Likely Pathogenic. A similar copy number variant has been observed in individual(s) with clinical features of NF1-related conditions (PMID: 26740943).

Literature cited by the submitters: PubMed 25640679; PubMed 10712197; PubMed 23913538; PubMed 26740943.

NC_000017.10:g.(?_29562619)_(29563299_?)dup

Gene: NF1 (neurofibromin 1; plus strand). Cytogenetic location: 17q11.2.
Variant type: Duplication.
Identifiers: ClinVar variation 1495029 (VCV001495029.5).